The following is an entry in ClinVar:

NM_015213.4(DENND5A):c.1274del (p.Asn425fs)

Gene: DENND5A (DENN domain containing 5A; minus strand). Cytogenetic location: 11p15.4.
Variant type: Deletion.
Coding change: c.1274del on transcript NM_015213.4 (MANE Select); coding-DNA position 1274, one base deleted (A; older notation c.1274delA).
Protein change: p.Asn425fs; shifts the reading frame from asparagine 425.
Molecular consequence: frameshift variant. On other transcripts: non-coding transcript variant (1).
Genome position (GRCh38, 1-based): chr11:9,180,948, T deleted on the plus strand (A on the coding strand, the reverse complement: DENND5A is on the minus strand); the first of 2 consecutive T bases (chr11:9,180,948-9,180,949); deleting either gives the same sequence. VCF-style (leftmost placement, unchanged base first): chr11-9180947-AT-A. GRCh37 (hg19) VCF-style: chr11-9202494-AT-A.
Other names: c.1274del, p.Asn425fs (NM_001243254.2); c.1202del, p.Asn401fs (NM_001348749.2); c.986del, p.Asn329fs (NM_001348750.2); c.1274delA (NM_015213.3); c.1274del (NM_015213.3); short protein forms N329fs, N401fs, N425fs.
Identifiers: ClinVar variation 1201466 (VCV001201466.4), dbSNP rs2136176644, ClinGen allele CA2499221354.

ClinVar aggregate classification (germline): Pathogenic (1 of 4 stars; one submission).

Submission:

GeneDx
Classification: Pathogenic. Last evaluated: 2023-10-18. Review status: criteria provided, single submitter. Criteria: GeneDx Variant Classification Process June 2021. Collection method: clinical testing. Allele origin: germline. Affected: yes.
Comment: Frameshift variant predicted to result in protein truncation or nonsense mediated decay in a gene for which loss-of-function is a known mechanism of disease; Not observed at significant frequency in large population cohorts (gnomAD); Has not been previously published as pathogenic or benign to our knowledge